The following is an entry in ClinVar:

ClinVar aggregate classification (germline): Uncertain significance (1 of 4 stars; one submission).

Allele frequency attached by ClinVar (database versions not stated): ExAC 0.00001; gnomAD 0.00002.
gnomAD v4.1: 13 of 1,613,798 alleles (0.00081%); highest among the groups gnomAD compares: Non-Finnish European, 0.0011%; no homozygotes.

Submission:

Labcorp Genetics (formerly Invitae), Labcorp
Classification: Uncertain significance. Last evaluated: 2022-03-26. Review status: criteria provided, single submitter. Criteria: Invitae Variant Classification Sherloc (09022015). Collection method: clinical testing. Allele origin: germline.
Comment: In summary, the available evidence is currently insufficient to determine the role of this variant in disease. Therefore, it has been classified as a Variant of Uncertain Significance. Algorithms developed to predict the effect of missense changes on protein structure and function are either unavailable or do not agree on the potential impact of this missense change (SIFT: "Deleterious"; PolyPhen-2: "Probably Damaging"; Align-GVGD: "Class C0"). This variant has not been reported in the literature in individuals affected with IMPAD1-related conditions. This variant is present in population databases (rs777949538, gnomAD 0.004%). This sequence change replaces alanine, which is neutral and non-polar, with valine, which is neutral and non-polar, at codon 306 of the IMPAD1 protein (p.Ala306Val).

NM_017813.5(BPNT2):c.917C>T (p.Ala306Val)

Gene: BPNT2 (3'(2'), 5'-bisphosphate nucleotidase 2; minus strand). Cytogenetic location: 8q12.1.
Variant type: single nucleotide variant.
Coding change: c.917C>T on transcript NM_017813.5 (MANE Select); coding-DNA position 917, C replaced by T.
Protein change: p.Ala306Val; replaces alanine 306 with valine.
Molecular consequence: missense variant.
Genome position (GRCh38, 1-based): chr8:56,963,956, G>A on the plus strand (C>T on the coding strand, the complement: BPNT2 is on the minus strand). VCF-style: chr8-56963956-G-A. GRCh37 (hg19) VCF-style: chr8-57876515-G-A.
Other names: short protein forms A306V.
Identifiers: ClinVar variation 2177048 (VCV002177048.4), dbSNP rs777949538, ClinGen allele CA4755778.